The following is an entry in ClinVar:

ClinVar aggregate classification (germline): Uncertain significance (1 of 4 stars; one submission).

Conditions:
Hereditary cancer-predisposing syndrome. Also called: Neoplastic Syndromes, Hereditary; Tumor predisposition; Hereditary Cancer Syndrome; Hereditary neoplastic syndrome. Identifiers: Orphanet 140162, MedGen C0027672, MeSH D009386, MONDO:0015356.

Submission:

Ambry Genetics
Classification: Uncertain significance for Hereditary cancer-predisposing syndrome. Last evaluated: 2024-08-14. Review status: criteria provided, single submitter. Criteria: Ambry Variant Classification Scheme 2023. Collection method: clinical testing. Allele origin: germline.
Comment: The p.I227F variant (also known as c.679A>T), located in coding exon 7 of the RB1 gene, results from an A to T substitution at nucleotide position 679. The isoleucine at codon 227 is replaced by phenylalanine, an amino acid with highly similar properties. This amino acid position is conserved. In addition, this alteration is predicted to be deleterious by in silico analysis. Based on the available evidence, the clinical significance of this variant remains unclear.

NM_000321.3(RB1):c.679A>T (p.Ile227Phe)

Gene: RB1 (RB transcriptional corepressor 1; plus strand). Cytogenetic location: 13q14.2.
Variant type: single nucleotide variant.
Coding change: c.679A>T on transcript NM_000321.3 (MANE Select); coding-DNA position 679, A replaced by T.
Protein change: p.Ile227Phe; replaces isoleucine 227 with phenylalanine.
Molecular consequence: missense variant.
Genome position (GRCh38, 1-based): chr13:48,360,088, A>T. VCF-style: chr13-48360088-A-T. GRCh37 (hg19) VCF-style: chr13-48934224-A-T.
Other names: c.679A>T, p.Ile227Phe (NM_001407165.1, NM_001407166.1); short protein forms I227F.
Identifiers: ClinVar variation 3430876 (VCV003430876.1).
Genomic context (GRCh38, chr13:48,360,088, plus strand): 5'-CAAATGGAAGATGATCTGGTGATTTCATTTCAGTTAATGCTATGTGTCCTTGACTATTTT[A>T]TTAAACTCTCACCTCCCATGTTGCTCAAAGAACCATATAGTAAGTATTTAATTTATGCCC-3'
Protein context (NP_000312.2, residues 217-237): QLMLCVLDYF[Ile227Phe]KLSPPMLLKE